The following is an entry in ClinVar:

ClinVar aggregate classification (germline): Uncertain significance. Review status: criteria provided, single submitter (1 of 4 stars). 2 submissions from 2 submitters: Uncertain significance (1). 1 of the submissions does not count toward it. Last evaluated 2022-08-23.

Conditions:
Encephalitis, acute, infection (viral)-induced, susceptibility to, 11. Identifiers: MedGen C5561941, MONDO:0030334, OMIM 619441.

Submissions (2):

Labcorp Genetics (formerly Invitae), Labcorp
Classification: Uncertain significance. Last evaluated: 2022-08-23. Review status: criteria provided, single submitter. Criteria: Invitae Variant Classification Sherloc (09022015). Collection method: clinical testing. Allele origin: germline.
Comment: This sequence change replaces isoleucine, which is neutral and non-polar, with threonine, which is neutral and polar, at codon 120 of the DBR1 protein (p.Ile120Thr). This variant is not present in population databases (gnomAD no frequency). In summary, the available evidence is currently insufficient to determine the role of this variant in disease. Therefore, it has been classified as a Variant of Uncertain Significance. Experimental studies have shown that this missense change affects DBR1 function (PMID: 29474921). Algorithms developed to predict the effect of missense changes on protein structure and function (SIFT, PolyPhen-2, Align-GVGD) all suggest that this variant is likely to be disruptive. ClinVar contains an entry for this variant (Variation ID: 1184274). This missense change has been observed in individual(s) with clinical features of DBR1 related conditions (PMID: 29474921). It has also been observed to segregate with disease in related individuals.

OMIM
Classification: risk factor for ENCEPHALITIS, ACUTE, INFECTION-INDUCED (VIRAL), SUSCEPTIBILITY TO, 11. Last evaluated: 2026-08-03. Review status: no assertion criteria provided. Collection method: literature only. Allele origin: germline. Not counted in ClinVar's aggregate classification.

Literature cited by the submitters: PubMed 29474921 (cited by Labcorp Genetics (formerly Invitae), Labcorp and OMIM); PubMed 39636299 (cited by OMIM); PubMed 41817448 (cited by OMIM).

NM_016216.4(DBR1):c.359T>C (p.Ile120Thr)

Gene: DBR1 (debranching RNA lariats 1; minus strand). Cytogenetic location: 3q22.3.
Variant type: single nucleotide variant.
Coding change: c.359T>C on transcript NM_016216.4 (MANE Select); coding-DNA position 359, T replaced by C.
Protein change: p.Ile120Thr; replaces isoleucine 120 with threonine.
Molecular consequence: missense variant.
Genome position (GRCh38, 1-based): chr3:138,171,677, A>G on the plus strand (T>C on the coding strand, the complement: DBR1 is on the minus strand). VCF-style: chr3-138171677-A-G. GRCh37 (hg19) VCF-style: chr3-137890519-A-G.
Other names: short protein forms I120T.
Identifiers: ClinVar variation 1184274 (VCV001184274.5), dbSNP rs2107906060, ClinGen allele CA354677752.